The following is an entry in ClinVar:

ClinVar aggregate classification (germline): Benign/Likely benign. Review status: criteria provided, multiple submitters, no conflicts (2 of 4 stars). 8 submissions from 8 submitters: Benign (6); Likely benign (1). 1 of the submissions does not count toward it. Last evaluated 2026-01-28.

Conditions:
Porphobilinogen synthase deficiency. Also called: ALAD DEFICIENCY; DELTA-AMINOLEVULINATE DEHYDRATASE DEFICIENCY; DOSS PORPHYRIA; PORPHYRIA, ALAD; Porphyria due to ALA dehydratase deficiency. Identifiers: Orphanet 100924, MedGen C0268328, MONDO:0013000, OMIM 612740.
ALAD*1/ALAD*2 POLYMORPHISM.

Allele frequency attached by ClinVar (database versions not stated): ExAC 0.08272; TOPMed 0.05812; gnomAD 0.06273 and 0.05916; 1000 Genomes Project 0.06350; gnomAD exomes 0.08523 and 0.08271; 1000 Genomes Project 30x 0.06293.
gnomAD v4.1: 134,416 of 1,613,738 alleles (8.3%); highest among the groups gnomAD compares: South Asian, 14%; 6,502 homozygotes.

Submissions (8):

Labcorp Genetics (formerly Invitae), Labcorp
Classification: Benign. Last evaluated: 2026-01-28. Review status: criteria provided, single submitter. Criteria: Invitae Variant Classification Sherloc (09022015). Collection method: clinical testing. Allele origin: germline.

Department of Pathology and Laboratory Medicine, Sinai Health System
Classification: Benign for porphyria due to ALA dehydratase deficiency. Last evaluated: 2023-03-23. Review status: criteria provided, single submitter. Criteria: ACMG Guidelines, 2015. Collection method: research. Allele origin: germline.

Mendelics
Classification: Benign. Last evaluated: 2022-05-04. Review status: criteria provided, single submitter. Criteria: Mendelics Assertion Criteria 2019. Collection method: clinical testing. Allele origin: germline.

Fulgent Genetics
Classification: Likely benign for Porphobilinogen synthase deficiency. Last evaluated: 2022-01-05. Review status: criteria provided, single submitter. Criteria: ACMG Guidelines, 2015. Collection method: clinical testing. Allele origin: unknown.

GeneDx
Classification: Benign. Last evaluated: 2021-06-09. Review status: criteria provided, single submitter. Criteria: GeneDx Variant Classification Process June 2021. Collection method: clinical testing. Allele origin: germline. Affected: yes.
Comment: This variant is associated with the following publications: (PMID: 25239657, 16909025, 9593628, 11342419, 11071662)

Illumina Laboratory Services, Illumina
Classification: Benign for Porphobilinogen synthase deficiency. Last evaluated: 2018-03-06. Review status: criteria provided, single submitter. Criteria: ICSL Variant Classification Criteria 13 December 2019. Collection method: clinical testing. Allele origin: germline.
Comment: This variant was observed in the ICSL laboratory as part of a predisposition screen in an ostensibly healthy population. It had not been previously curated by ICSL or reported in the Human Gene Mutation Database (HGMD: prior to June 1st, 2018), and was therefore a candidate for classification through an automated scoring system. Utilizing variant allele frequency, disease prevalence and penetrance estimates, and inheritance mode, an automated score was calculated to assess if this variant is too frequent to cause the disease. Based on the score and internal cut-off values, a variant classified as benign is not then subjected to further curation. The score for this variant resulted in a classification of benign for this disease.

Breakthrough Genomics
Classification: Benign. Review status: criteria provided, single submitter. Criteria: ACMG Guidelines, 2015. Collection method: not provided. Allele origin: germline. Inheritance: Autosomal recessive inheritance. Affected: yes.

OMIM
Classification: Pathogenic for ALAD*1/ALAD*2 POLYMORPHISM. Last evaluated: 1991-10-01. Review status: no assertion criteria provided. Collection method: literature only. Allele origin: germline. Not counted in ClinVar's aggregate classification.

Literature cited by the submitters: PubMed 1716854 (cited by OMIM).

NM_000031.6(ALAD):c.177G>C (p.Lys59Asn)

Gene: ALAD (aminolevulinate dehydratase; minus strand). Cytogenetic location: 9q32.
Variant type: single nucleotide variant.
Coding change: c.177G>C on transcript NM_000031.6 (MANE Select); coding-DNA position 177, G replaced by C.
Protein change: p.Lys59Asn; replaces lysine 59 with asparagine.
Molecular consequence: missense variant.
Genome position (GRCh38, 1-based): chr9:113,391,611, C>G on the plus strand (G>C on the coding strand, the complement: ALAD is on the minus strand). VCF-style: chr9-113391611-C-G. GRCh37 (hg19) VCF-style: chr9-116153891-C-G.
Other names: c.264G>C, p.Lys88Asn (NM_001003945.3); c.153G>C, p.Lys51Asn (NM_001317745.2); short protein forms K59N, K51N, K88N.
Identifiers: ClinVar variation 16864 (VCV000016864.20), dbSNP rs1800435, ClinGen allele CA126933.